The following is an entry in ClinVar:

ClinVar aggregate classification (germline): Benign. Review status: criteria provided, single submitter (1 of 4 stars). 2 submissions from 2 submitters: Benign (1). 1 of the submissions does not count toward it. Last evaluated 2025-01-27.

Conditions:
LRP10-related disorder. Also called: LRP10-related condition.

Allele frequency attached by ClinVar (database versions not stated): gnomAD exomes 0.00103; 1000 Genomes Project 0.00020; ESP Exome Variant Server 0.00038; gnomAD 0.00109; 1000 Genomes Project 30x 0.00031; TOPMed 0.00057; ExAC 0.00187.
gnomAD v4.1: 1,677 of 1,613,604 alleles (0.1%); highest among the groups gnomAD compares: Non-Finnish European, 0.087%; 5 homozygotes.

Submissions (2):

Mayo Clinic Laboratories, Mayo Clinic
Classification: Benign. Last evaluated: 2025-01-27. Review status: criteria provided, single submitter. Criteria: ACMG Guidelines, 2015. Collection method: clinical testing. Allele origin: germline. Observed: 1 variant allele.
Comment: BS1, BS2, BP4

PreventionGenetics, part of Exact Sciences
Classification: Likely benign for LRP10-related condition. Last evaluated: 2019-04-09. Review status: no assertion criteria provided. Collection method: clinical testing. Allele origin: germline. Not counted in ClinVar's aggregate classification.
Comment: This variant is classified as likely benign based on ACMG/AMP sequence variant interpretation guidelines (Richards et al. 2015 PMID: 25741868, with internal and published modifications).

NM_014045.5(LRP10):c.976G>A (p.Gly326Ser)

Gene: LRP10 (LDL receptor related protein 10; plus strand). Cytogenetic location: 14q11.2.
Variant type: single nucleotide variant.
Coding change: c.976G>A on transcript NM_014045.5 (MANE Select); coding-DNA position 976, G replaced by A.
Protein change: p.Gly326Ser; replaces glycine 326 with serine.
Molecular consequence: missense variant.
Genome position (GRCh38, 1-based): chr14:22,875,924, G>A. VCF-style: chr14-22875924-G-A. GRCh37 (hg19) VCF-style: chr14-23345133-G-A.
Other names: p.Gly326Ser; c.976G>A, p.Gly326Ser (NM_001329226.2); short protein forms G326S.
Identifiers: ClinVar variation 3039388 (VCV003039388.3), dbSNP rs138170865, ClinGen allele CA7105834.